The following is an entry in ClinVar:

NM_182493.3(MYLK3):c.743C>A (p.Ala248Asp)

Gene: MYLK3 (myosin light chain kinase 3; minus strand). Cytogenetic location: 16q11.2.
Variant type: single nucleotide variant.
Coding change: c.743C>A on transcript NM_182493.3 (MANE Select); coding-DNA position 743, C replaced by A.
Protein change: p.Ala248Asp; replaces alanine 248 with aspartic acid.
Molecular consequence: missense variant. On other transcripts: intron variant (1).
Genome position (GRCh38, 1-based): chr16:46,737,969, G>T on the plus strand (C>A on the coding strand, the complement: MYLK3 is on the minus strand). VCF-style: chr16-46737969-G-T. GRCh37 (hg19) VCF-style: chr16-46771881-G-T.
Other names: c.-23+2088C>A (NM_001308301.1); short protein forms A248D.
Identifiers: ClinVar variation 2980631 (VCV002980631.3), dbSNP rs771442072, ClinGen allele CA8038151.
Genomic context (GRCh38, chr16:46,737,969, plus strand): 5'-GGTGCTGGAGCCAATTCCAGGCCAGTCCTGAGGTTCTCGCTGGGTGTCTCAGGAGCCTTG[G>T]CTTCCACCTTTGTGGGCAGGGGCAGGTGGCCAGGGAATGCCTGGGCTGGGCCAGGAACAC-3'
Protein context (NP_872299.2, residues 238-258): GHLPLPTKVE[Ala248Asp]KAPETPSENL

ClinVar aggregate classification (germline): Uncertain significance (1 of 4 stars; one submission).

Allele frequency attached by ClinVar (database versions not stated): gnomAD exomes 0.00001; ExAC 0.00002.
gnomAD v4.1: 11 of 1,614,092 alleles (0.00068%); highest among the groups gnomAD compares: Middle Eastern, 0.017%; no homozygotes.

Submission:

Labcorp Genetics (formerly Invitae), Labcorp
Classification: Uncertain significance. Last evaluated: 2025-11-09. Review status: criteria provided, single submitter. Criteria: Invitae Variant Classification Sherloc (09022015). Collection method: clinical testing. Allele origin: germline.
Comment: This sequence change replaces alanine, which is neutral and non-polar, with aspartic acid, which is acidic and polar, at codon 248 of the MYLK3 protein (p.Ala248Asp). This variant is present in population databases (rs771442072, gnomAD 0.002%). This variant has not been reported in the literature in individuals affected with MYLK3-related conditions. ClinVar contains an entry for this variant (Variation ID: 2980631). An algorithm developed to predict the effect of missense changes on protein structure and function (PolyPhen-2) suggests that this variant is likely to be tolerated. In summary, the available evidence is currently insufficient to determine the role of this variant in disease. Therefore, it has been classified as a Variant of Uncertain Significance.